The following is an entry in ClinVar:

ClinVar aggregate classification (germline): Uncertain significance. Review status: criteria provided, multiple submitters, no conflicts (2 of 4 stars). 3 submissions from 3 submitters: Uncertain significance (3). Last evaluated 2024-01-09.

Conditions:
Inborn genetic diseases. Identifiers: MedGen C0950123, MeSH D030342.

Allele frequency attached by ClinVar (database versions not stated): gnomAD exomes below 0.00001 and 0.00001; ExAC 0.00001; gnomAD 0.00004; TOPMed 0.00012.
gnomAD v4.1: 13 of 1,613,972 alleles (0.00081%); highest among the groups gnomAD compares: Admixed American, 0.018%; no homozygotes.

Submissions (3):

Ambry Genetics
Classification: Uncertain significance for Inborn genetic diseases. Last evaluated: 2024-01-09. Review status: criteria provided, single submitter. Criteria: Ambry Variant Classification Scheme 2023. Collection method: clinical testing. Allele origin: germline.

Labcorp Genetics (formerly Invitae), Labcorp
Classification: Uncertain significance. Last evaluated: 2022-08-19. Review status: criteria provided, single submitter. Criteria: Invitae Variant Classification Sherloc (09022015). Collection method: clinical testing. Allele origin: germline.
Comment: This sequence change replaces tyrosine, which is neutral and polar, with histidine, which is basic and polar, at codon 63 of the TTC37 protein (p.Tyr63His). This variant is present in population databases (rs747857739, gnomAD 0.003%). This variant has not been reported in the literature in individuals affected with TTC37-related conditions. ClinVar contains an entry for this variant (Variation ID: 1302932). Algorithms developed to predict the effect of missense changes on protein structure and function are either unavailable or do not agree on the potential impact of this missense change (SIFT: "Tolerated"; PolyPhen-2: "Probably Damaging"; Align-GVGD: "Class C0"). In summary, the available evidence is currently insufficient to determine the role of this variant in disease. Therefore, it has been classified as a Variant of Uncertain Significance.

GeneDx
Classification: Uncertain significance. Last evaluated: 2019-09-06. Review status: criteria provided, single submitter. Criteria: GeneDx Variant Classification Process June 2021. Collection method: clinical testing. Allele origin: germline. Affected: yes.
Comment: Not observed at a significant frequency in large population cohorts (Lek et al., 2016); In silico analysis, which includes protein predictors and evolutionary conservation, supports a deleterious effect; Has not been previously published as pathogenic or benign to our knowledge

NM_014639.4(SKIC3):c.187T>C (p.Tyr63His)

Gene: SKIC3 (SKI3 subunit of superkiller complex; minus strand). Cytogenetic location: 5q15.
Variant type: single nucleotide variant.
Coding change: c.187T>C on transcript NM_014639.4 (MANE Select); coding-DNA position 187, T replaced by C.
Protein change: p.Tyr63His; replaces tyrosine 63 with histidine.
Molecular consequence: missense variant.
Genome position (GRCh38, 1-based): chr5:95,543,231, A>G on the plus strand (T>C on the coding strand, the complement: SKIC3 is on the minus strand). VCF-style: chr5-95543231-A-G. GRCh37 (hg19) VCF-style: chr5-94878935-A-G.
Other names: short protein forms Y63H.
Identifiers: ClinVar variation 1302932 (VCV001302932.7), dbSNP rs747857739, ClinGen allele CA3347693.